The following is an entry in ClinVar:

NM_024503.5(HIVEP3):c.6626C>T (p.Ala2209Val)

Gene: HIVEP3 (HIVEP zinc finger 3; minus strand). Cytogenetic location: 1p34.2.
Variant type: single nucleotide variant.
Coding change: c.6626C>T on transcript NM_024503.5 (MANE Select); coding-DNA position 6626, C replaced by T.
Protein change: p.Ala2209Val; replaces alanine 2209 with valine.
Molecular consequence: missense variant.
Genome position (GRCh38, 1-based): chr1:41,511,046, G>A on the plus strand (C>T on the coding strand, the complement: HIVEP3 is on the minus strand). VCF-style: chr1-41511046-G-A. GRCh37 (hg19) VCF-style: chr1-41976717-G-A.
Other names: c.6623C>T, p.Ala2208Val (NM_001127714.3); short protein forms A2209V, A2208V.
Identifiers: ClinVar variation 5002441 (VCV005002441.1).
Genomic context (GRCh38, chr1:41,511,046, plus strand): 5'-CCACCCCCGGAGAAGCCACTGACCCAGGCTGCGGTGGGCCCTGGCAGCAGGGTGGGGTGG[G>A]CTCCTGGCCGGGCCTGCACCATCTGGATCCCACCGATGGGAATCAAGGGACATGGGGCAC-3'
Protein context (NP_078779.2, residues 2199-2219): GIQMVQARPG[Ala2209Val]HPTLLPGPTA

ClinVar aggregate classification (germline): Uncertain significance (1 of 4 stars; one submission).

Conditions:
HIVEP3-related disorder. Also called: HIVEP3-related condition.

Submission:

PreventionGenetics, part of Exact Sciences
Classification: Uncertain significance for HIVEP3-related condition. Last evaluated: 2025-03-27. Review status: criteria provided, single submitter. Criteria: ACMG Guidelines, 2015. Collection method: clinical testing. Allele origin: germline.
Comment: The HIVEP3 c.6626C>T variant is predicted to result in the amino acid substitution p.Ala2209Val. To our knowledge, this variant has not been reported in the literature or in a large population database (gnomAD), indicating this variant is rare. At this time, the clinical significance of this variant is uncertain due to the absence of conclusive functional and genetic evidence.